The following is an entry in ClinVar:

NM_005120.3(MED12):c.5167T>C (p.Leu1723=)

Gene: MED12 (mediator complex subunit 12; plus strand). Cytogenetic location: Xq13.1.
Variant type: single nucleotide variant.
Coding change: c.5167T>C on transcript NM_005120.3 (MANE Select); coding-DNA position 5167, T replaced by C.
Protein change: p.Leu1723=; no amino-acid change (leucine 1723 retained).
Molecular consequence: synonymous variant.
Genome position (GRCh38, 1-based): chrX:71,136,422, T>C. VCF-style: chrX-71136422-T-C. GRCh37 (hg19) VCF-style: chrX-70356272-T-C.
Identifiers: ClinVar variation 4872756 (VCV004872756.2).

ClinVar aggregate classification (germline): Likely benign (1 of 4 stars; one submission).

Submission:

CeGaT Center for Human Genetics Tuebingen
Classification: Likely benign. Last evaluated: 2026-04-01. Review status: criteria provided, single submitter. Criteria: CeGaT Center For Human Genetics Tuebingen Variant Classification Criteria Version 2. Collection method: clinical testing. Allele origin: germline. Affected: yes. Observed: 1 variant allele.
Comment: MED12: BP4, BP7